The following is an entry in ClinVar:

NM_000059.4(BRCA2):c.8166A>G (p.Thr2722=)

Gene: BRCA2 (BRCA2 DNA repair associated; plus strand). Cytogenetic location: 13q13.1.
Variant type: single nucleotide variant.
Coding change: c.8166A>G on transcript NM_000059.4 (MANE Select); coding-DNA position 8166, A replaced by G.
Protein change: p.Thr2722=; no amino-acid change (threonine 2722 retained).
Molecular consequence: synonymous variant.
Genome position (GRCh38, 1-based): chr13:32,363,368, A>G. VCF-style: chr13-32363368-A-G. GRCh37 (hg19) VCF-style: chr13-32937505-A-G.
Identifiers: ClinVar variation 388164 (VCV000388164.43), dbSNP rs786201640, ClinGen allele CA16606820.

ClinVar aggregate classification (germline): Likely benign. Review status: criteria provided, multiple submitters, no conflicts (2 of 4 stars). 6 submissions from 6 submitters: Likely benign (6). Last evaluated 2026-02-01.

Conditions:
Hereditary breast ovarian cancer syndrome. Also called: Hereditary breast and ovarian cancer syndrome; Hereditary breast and/or ovarian cancer syndrome; Hereditary breast and ovarian cancer; Breast and ovarian cancer; BRCA1- and BRCA2-Associated Hereditary Breast and Ovarian Cancer; Hereditary breast and ovarian cancer syndrome (HBOC). Identifiers: Orphanet 145, MedGen C0677776, MeSH D061325, MONDO:0003582. Disease mechanism: loss of function.
Hereditary cancer-predisposing syndrome. Also called: Neoplastic Syndromes, Hereditary; Hereditary neoplastic syndrome; Tumor predisposition; Hereditary Cancer Syndrome. Identifiers: Orphanet 140162, MedGen C0027672, MeSH D009386, MONDO:0015356.
Breast-ovarian cancer, familial, susceptibility to, 2 (BROVCA2). Also called: BRCA2 Hereditary Breast and Ovarian Cancer. Identifiers: Orphanet 145, MedGen C2675520, MONDO:0012933, OMIM 612555. Disease mechanism: loss of function.

Submissions (6):

CeGaT Center for Human Genetics Tuebingen
Classification: Likely benign. Last evaluated: 2026-02-01. Review status: criteria provided, single submitter. Criteria: CeGaT Center For Human Genetics Tuebingen Variant Classification Criteria Version 2. Collection method: clinical testing. Allele origin: germline. Affected: yes. Observed: 2 variant alleles.
Comment: BRCA2: PM2:Supporting, BP4, BP7

Labcorp Genetics (formerly Invitae), Labcorp
Classification: Likely benign for Hereditary breast ovarian cancer syndrome. Last evaluated: 2025-11-19. Review status: criteria provided, single submitter. Criteria: Invitae Variant Classification Sherloc (09022015). Collection method: clinical testing. Allele origin: germline.

All of Us Research Program, National Institutes of Health
Classification: Likely benign for Breast-ovarian cancer, familial, susceptibility to, 2. Last evaluated: 2023-08-15. Review status: criteria provided, single submitter. Criteria: ACMG Guidelines, 2015. Collection method: clinical testing. Allele origin: germline. Inheritance: Autosomal dominant inheritance. Observed: 1 variant allele, 1 heterozygote.
Comment: This study involves interpretation of variants in research participants for the purpose of population health screening. Participant phenotype was not available at the time of variant classification. Additional details can be found in publication PMID: 35346344, PMCID: PMC8962531

Color Diagnostics, LLC DBA Color Health
Classification: Likely benign for Hereditary cancer-predisposing syndrome. Last evaluated: 2017-12-06. Review status: criteria provided, single submitter. Criteria: ACMG Guidelines, 2015. Collection method: clinical testing. Allele origin: germline.

Ambry Genetics
Classification: Likely benign for Hereditary cancer-predisposing syndrome. Last evaluated: 2017-02-24. Review status: criteria provided, single submitter. Criteria: Ambry Variant Classification Scheme 2023. Collection method: clinical testing. Allele origin: germline.

GeneDx
Classification: Likely benign. Last evaluated: 2016-07-26. Review status: criteria provided, single submitter. Criteria: GeneDx Variant Classification (06012015). Collection method: clinical testing. Allele origin: germline. Affected: yes.
Comment: This variant is considered likely benign or benign based on one or more of the following criteria: it is a conservative change, it occurs at a poorly conserved position in the protein, it is predicted to be benign by multiple in silico algorithms, and/or has population frequency not consistent with disease.